The following is an entry in ClinVar:

ClinVar aggregate classification (germline): Uncertain significance. Review status: criteria provided, multiple submitters, no conflicts (2 of 4 stars). 2 submissions from 2 submitters: Uncertain significance (2). Last evaluated 2025-08-08.

Conditions:
Nemaline myopathy 2 (NEM2). Also called: Nemaline myopathy 2, autosomal recessive. Identifiers: MedGen C1850569, MONDO:0009725, OMIM 256030.
Inborn genetic diseases. Identifiers: MedGen C0950123, MeSH D030342.

gnomAD v4.1: 21 of 1,599,494 alleles (0.0013%); highest among the groups gnomAD compares: African/African-American, 0.021%; no homozygotes.

Submissions (2):

Ambry Genetics
Classification: Uncertain significance for Inborn genetic diseases. Last evaluated: 2025-08-08. Review status: criteria provided, single submitter. Criteria: Ambry Variant Classification Scheme 2023. Collection method: clinical testing. Allele origin: germline.

Labcorp Genetics (formerly Invitae), Labcorp
Classification: Uncertain significance for Nemaline myopathy 2. Last evaluated: 2022-03-18. Review status: criteria provided, single submitter. Criteria: Invitae Variant Classification Sherloc (09022015). Collection method: clinical testing. Allele origin: germline.
Comment: This sequence change replaces arginine, which is basic and polar, with serine, which is neutral and polar, at codon 2721 of the NEB protein (p.Arg2721Ser). The frequency data for this variant in the population databases is considered unreliable, as metrics indicate poor data quality at this position in the gnomAD database. This variant has not been reported in the literature in individuals affected with NEB-related conditions. Algorithms developed to predict the effect of missense changes on protein structure and function are either unavailable or do not agree on the potential impact of this missense change (SIFT: "Deleterious"; PolyPhen-2: "Not Available"; Align-GVGD: "Class C0"). Algorithms developed to predict the effect of sequence changes on RNA splicing suggest that this variant may create or strengthen a splice site. In summary, the available evidence is currently insufficient to determine the role of this variant in disease. Therefore, it has been classified as a Variant of Uncertain Significance.

NM_001164508.2(NEB):c.8161C>A (p.Arg2721Ser)

Gene: NEB (nebulin; minus strand). Cytogenetic location: 2q23.3.
Variant type: single nucleotide variant.
Coding change: c.8161C>A on transcript NM_001164508.2 (MANE Select); coding-DNA position 8161, C replaced by A.
Protein change: p.Arg2721Ser; replaces arginine 2721 with serine.
Molecular consequence: missense variant.
Genome position (GRCh38, 1-based): chr2:151,642,869, G>T on the plus strand (C>A on the coding strand, the complement: NEB is on the minus strand). VCF-style: chr2-151642869-G-T. GRCh37 (hg19) VCF-style: chr2-152499383-G-T.
Other names: c.8161C>A, p.Arg2721Ser (NM_001164507.2, NM_001271208.2, NM_004543.5); c.8161C>A (NM_004543.4); short protein forms R2721S.
Identifiers: ClinVar variation 2141625 (VCV002141625.2), dbSNP rs570763682, ClinGen allele CA348813076.
Genomic context (GRCh38, chr2:151,642,869, plus strand): 5'-GGGTATCTGGCATAATGTGGACAGTGGTTTTATCTTTATCCCAAGCTTCTGTATAGAGGC[G>T]CTAAGAGAAACAGAAAAACATGACTGGTATAGGCCAGTAATAAATAGACACATGCAGACA-3'
Protein context (NP_001157980.2, residues 2711-2731): AKNNAITMNH[Arg2721Ser]LYTEAWDKDK